The following is an entry in ClinVar:

NM_004281.4(BAG3):c.1600A>G (p.Lys534Glu)

Gene: BAG3 (BAG cochaperone 3; plus strand). Cytogenetic location: 10q26.11.
Variant type: single nucleotide variant.
Coding change: c.1600A>G on transcript NM_004281.4 (MANE Select); coding-DNA position 1600, A replaced by G.
Protein change: p.Lys534Glu; replaces lysine 534 with glutamic acid.
Molecular consequence: missense variant.
Genome position (GRCh38, 1-based): chr10:119,677,154, A>G. VCF-style: chr10-119677154-A-G. GRCh37 (hg19) VCF-style: chr10-121436666-A-G.
Other names: short protein forms K534E.
Identifiers: ClinVar variation 1723067 (VCV001723067.5), dbSNP rs2494024681, ClinGen allele CA378297670.

ClinVar aggregate classification (germline): Uncertain significance. Review status: criteria provided, multiple submitters, no conflicts (2 of 4 stars). 2 submissions from 2 submitters: Uncertain significance (2). Last evaluated 2024-11-23.

Conditions:
Cardiovascular phenotype. Identifiers: MedGen CN230736.

Submissions (2):

Ambry Genetics
Classification: Uncertain significance for Cardiovascular phenotype. Last evaluated: 2024-11-23. Review status: criteria provided, single submitter. Criteria: Ambry Variant Classification Scheme 2023. Collection method: clinical testing. Allele origin: germline.
Comment: The p.K534E variant (also known as c.1600A>G), located in coding exon 4 of the BAG3 gene, results from an A to G substitution at nucleotide position 1600. The lysine at codon 534 is replaced by glutamic acid, an amino acid with similar properties. This amino acid position is conserved. In addition, this alteration is predicted to be tolerated by in silico analysis. Since supporting evidence is limited at this time, the clinical significance of this alteration remains unclear.

GeneDx
Classification: Uncertain significance. Last evaluated: 2022-05-06. Review status: criteria provided, single submitter. Criteria: GeneDx Variant Classification Process June 2021. Collection method: clinical testing. Allele origin: germline. Affected: yes.
Comment: Not observed at significant frequency in large population cohorts (gnomAD); In silico analysis supports that this missense variant does not alter protein structure/function; Has not been previously published as pathogenic or benign to our knowledge